The following is an entry in ClinVar:

NM_000301.5(PLG):c.1432G>A (p.Glu478Lys)

Gene: PLG (plasminogen; plus strand). Cytogenetic location: 6q26.
Variant type: single nucleotide variant.
Coding change: c.1432G>A on transcript NM_000301.5 (MANE Select); coding-DNA position 1432, G replaced by A.
Protein change: p.Glu478Lys; replaces glutamic acid 478 with lysine.
Molecular consequence: missense variant.
Genome position (GRCh38, 1-based): chr6:160,731,226, G>A. VCF-style: chr6-160731226-G-A. GRCh37 (hg19) VCF-style: chr6-161152258-G-A.
Other names: short protein forms E478K.
Identifiers: ClinVar variation 2174916 (VCV002174916.5), dbSNP rs748537055, ClinGen allele CA4087778.
Genomic context (GRCh38, chr6:160,731,226, plus strand): 5'-GAAGCGAGTGTTGTAGCACCTCCGCCTGTTGTCCTGCTTCCAGATGTAGAGACTCCTTCC[G>A]AAGAAGGTAAGAAATCTGTGGCTGGACATCTACACACTTGGACGCTGGGATGAAAAGCCA-3'
Protein context (NP_000292.1, residues 468-488): VLLPDVETPS[Glu478Lys]EDCMFGNGKG

ClinVar aggregate classification (germline): Uncertain significance. Review status: criteria provided, multiple submitters, no conflicts (2 of 4 stars). 2 submissions from 2 submitters: Uncertain significance (2). Last evaluated 2024-05-28.

Conditions:
Plasminogen deficiency, type I. Also called: Type 1 plasminogen deficiency; Hypoplasminogenemia. Identifiers: Orphanet 722, MedGen C1968804, MONDO:0009009, OMIM 217090.
Angioedema, hereditary, 4. Identifiers: MedGen C5543503, MONDO:0025712, OMIM 619360.

Allele frequency attached by ClinVar (database versions not stated): gnomAD 0.00001; TOPMed 0.00001; ExAC 0.00002; gnomAD exomes 0.00002.

Submissions (2):

Fulgent Genetics
Classification: Uncertain significance for Plasminogen deficiency, type I; Angioedema, hereditary, 4. Last evaluated: 2024-05-28. Review status: criteria provided, single submitter. Criteria: ACMG Guidelines, 2015. Collection method: clinical testing. Allele origin: germline.

Labcorp Genetics (formerly Invitae), Labcorp
Classification: Uncertain significance. Last evaluated: 2023-11-13. Review status: criteria provided, single submitter. Criteria: Invitae Variant Classification Sherloc (09022015). Collection method: clinical testing. Allele origin: germline.
Comment: This sequence change replaces glutamic acid, which is acidic and polar, with lysine, which is basic and polar, at codon 478 of the PLG protein (p.Glu478Lys). This variant is present in population databases (rs748537055, gnomAD 0.003%). This variant has not been reported in the literature in individuals affected with PLG-related conditions. ClinVar contains an entry for this variant (Variation ID: 2174916). Advanced modeling of protein sequence and biophysical properties (such as structural, functional, and spatial information, amino acid conservation, physicochemical variation, residue mobility, and thermodynamic stability) performed at Invitae indicates that this missense variant is not expected to disrupt PLG protein function with a negative predictive value of 80%. In summary, the available evidence is currently insufficient to determine the role of this variant in disease. Therefore, it has been classified as a Variant of Uncertain Significance.